The following is an entry in ClinVar:

ClinVar aggregate classification (germline): Conflicting classifications of pathogenicity. Review status: criteria provided, conflicting classifications (1 of 4 stars). 3 submissions from 3 submitters: Pathogenic (1); Uncertain significance (2). Last evaluated 2025-06-02.

Conditions:
Charcot-Marie-Tooth disease type 2. Also called: Charcot-Marie-Tooth type 2. Identifiers: Orphanet 64746, MedGen C0270914, MONDO:0018993.

Submissions (3):

Labcorp Genetics (formerly Invitae), Labcorp
Classification: Pathogenic for Charcot-Marie-Tooth disease type 2. Last evaluated: 2025-06-02. Review status: criteria provided, single submitter. Criteria: Invitae Variant Classification Sherloc (09022015). Collection method: clinical testing. Allele origin: germline.
Comment: This sequence change replaces arginine, which is basic and polar, with leucine, which is neutral and non-polar, at codon 50 of the LMNA protein (p.Arg50Leu). This variant is not present in population databases (gnomAD no frequency). This missense change has been observed in individuals with clinical features of autosomal dominant limb-girdle muscular dystrophy and/or dilated cardiomyopathy with conduction system defects (internal data). ClinVar contains an entry for this variant (Variation ID: 281553). Invitae Evidence Modeling of protein sequence and biophysical properties (such as structural, functional, and spatial information, amino acid conservation, physicochemical variation, residue mobility, and thermodynamic stability) indicates that this missense variant is expected to disrupt LMNA protein function with a positive predictive value of 95%. This variant disrupts the p.Arg50 amino acid residue in LMNA. Other variant(s) that disrupt this residue have been determined to be pathogenic (PMID: 10939567, 11503164, 18551513, 31498906). This suggests that this residue is clinically significant, and that variants that disrupt this residue are likely to be disease-causing. For these reasons, this variant has been classified as Pathogenic.

Revvity Omics, Revvity
Classification: Uncertain significance. Last evaluated: 2023-01-27. Review status: criteria provided, single submitter. Criteria: ACMG Guidelines, 2015. Collection method: clinical testing. Allele origin: germline.

Eurofins Ntd Llc (ga)
Classification: Uncertain significance. Last evaluated: 2015-06-24. Review status: criteria provided, single submitter. Criteria: EGL Classification Definitions 2015. Collection method: clinical testing. Allele origin: germline. Observed: 2 variant alleles, 2 heterozygotes.

Literature cited by the submitters: PubMed 10939567 (cited by Labcorp Genetics (formerly Invitae), Labcorp); PubMed 11503164 (cited by Labcorp Genetics (formerly Invitae), Labcorp); PubMed 18551513 (cited by Labcorp Genetics (formerly Invitae), Labcorp); PubMed 31498906 (cited by Labcorp Genetics (formerly Invitae), Labcorp).

NM_170707.4(LMNA):c.149G>T (p.Arg50Leu)

Gene: LMNA (lamin A/C; plus strand). Cytogenetic location: 1q22.
Variant type: single nucleotide variant.
Coding change: c.149G>T on transcript NM_170707.4 (MANE Select); coding-DNA position 149, G replaced by T.
Protein change: p.Arg50Leu; replaces arginine 50 with leucine.
Molecular consequence: missense variant.
Genome position (GRCh38, 1-based): chr1:156,115,067, G>T. VCF-style: chr1-156115067-G-T. GRCh37 (hg19) VCF-style: chr1-156084858-G-T.
Other names: c.149G>T, p.Arg50Leu (NM_001282625.2, NM_001282626.2, NM_005572.4 and 1 more transcripts); short protein forms R50L.
Identifiers: ClinVar variation 281553 (VCV000281553.15), dbSNP rs60695352, ClinGen allele CA10603912.